The following is an entry in ClinVar:

ClinVar aggregate classification (germline): Uncertain significance (1 of 4 stars; one submission).

Submission:

Labcorp Genetics (formerly Invitae), Labcorp
Classification: Uncertain significance. Last evaluated: 2022-02-22. Review status: criteria provided, single submitter. Criteria: Invitae Variant Classification Sherloc (09022015). Collection method: clinical testing. Allele origin: germline.
Comment: This variant, c.1143_1145del, results in the deletion of 1 amino acid(s) of the PDE6B protein (p.Lys381del), but otherwise preserves the integrity of the reading frame. This variant is not present in population databases (gnomAD no frequency). This variant has not been reported in the literature in individuals affected with PDE6B-related conditions. Experimental studies and prediction algorithms are not available or were not evaluated, and the functional significance of this variant is currently unknown. In summary, the available evidence is currently insufficient to determine the role of this variant in disease. Therefore, it has been classified as a Variant of Uncertain Significance.

NM_000283.4(PDE6B):c.1143_1145del (p.Lys381del)

Gene: PDE6B (phosphodiesterase 6B; plus strand). Cytogenetic location: 4p16.3.
Variant type: Deletion.
Coding change: c.1143_1145del on transcript NM_000283.4 (MANE Select); coding-DNA positions 1143 to 1145, 3 bases deleted (GAA; older notation c.1143_1145delGAA).
Protein change: p.Lys381del; deletes lysine 381.
Molecular consequence: inframe deletion. On other transcripts: 5 prime UTR variant (1).
Genome position (GRCh38, 1-based): chr4:656,909-656,911, GAA deleted; deleting any 3 consecutive bases within chr4:656,907-656,911 gives the same sequence; the c. name uses the placement nearest the transcript's 3' end. VCF-style (leftmost placement, unchanged base first): chr4-656906-CAAG-C. GRCh37 (hg19) VCF-style: chr4-650695-CAAG-C.
Other names: c.1143_1145del, p.Lys381del (NM_001145291.2); c.306_308del, p.Lys102del (NM_001145292.2, NM_001350154.3, NM_001379246.1 and 1 more transcripts); c.-13_-11del (NM_001350155.3); short protein forms K102del, K381del.
Identifiers: ClinVar variation 2101545 (VCV002101545.4), dbSNP rs2474211214, ClinGen allele CA2580071747.
Genomic context (GRCh38, chr4:656,906, plus strand): 5'-AGCTCAGCTCTGGACACCGCTCCCGCAGGAAGGGGCCCTGGACGACTCCGGGTGGCTCAT[CAAG>C]AATGTGCTGTCCATGCCCATCGTCAACAAGAAGGAGGAGATTGTGGGAGTCGCCACATTT-3'